The following is an entry in ClinVar:

ClinVar aggregate classification (germline): Pathogenic (1 of 4 stars; one submission).

Conditions:
Mitochondrial trifunctional protein deficiency. Identifiers: Orphanet 746, MedGen C1969443, MONDO:0012172.
Long chain 3-hydroxyacyl-CoA dehydrogenase deficiency. Also called: Deficiency of long-chain 3-hydroxyacyl-coenzyme A dehydrogenase; LCHAD Deficiency. Identifiers: Orphanet 5, MedGen C3711645, MONDO:0012173, OMIM 609016.

Submission:

Labcorp Genetics (formerly Invitae), Labcorp
Classification: Pathogenic for Mitochondrial trifunctional protein deficiency; Long chain 3-hydroxyacyl-CoA dehydrogenase deficiency. Last evaluated: 2023-11-21. Review status: criteria provided, single submitter. Criteria: Invitae Variant Classification Sherloc (09022015). Collection method: clinical testing. Allele origin: germline.
Comment: This sequence change creates a premature translational stop signal (p.Glu421*) in the HADHA gene. It is expected to result in an absent or disrupted protein product. Loss-of-function variants in HADHA are known to be pathogenic (PMID: 7738175, 21103935, 21549624, 22459206). This variant is not present in population databases (gnomAD no frequency). This variant has not been reported in the literature in individuals affected with HADHA-related conditions. For these reasons, this variant has been classified as Pathogenic.

Literature cited by the submitters: PubMed 7738175; PubMed 21103935; PubMed 21549624; PubMed 22459206.

NM_000182.5(HADHA):c.1261G>T (p.Glu421Ter)

Genes: HADHA (hydroxyacyl-CoA dehydrogenase trifunctional multienzyme complex subunit alpha; minus strand), GAREM2 (GRB2 associated regulator of MAPK1 subtype 2; plus strand). Cytogenetic location: 2p23.3.
Variant type: single nucleotide variant.
Coding change: c.1261G>T on transcript NM_000182.5 (MANE Select); coding-DNA position 1261, G replaced by T.
Protein change: p.Glu421Ter; replaces glutamic acid 421 with a stop codon.
Molecular consequence: nonsense.
Genome position (GRCh38, 1-based): chr2:26,201,280, C>A on the plus strand (G>T on the coding strand, the complement: HADHA is on the minus strand). VCF-style: chr2-26201280-C-A. GRCh37 (hg19) VCF-style: chr2-26424149-C-A.
Other names: short protein forms E421*.
Identifiers: ClinVar variation 2935068 (VCV002935068.3), dbSNP rs1362905226, ClinGen allele CA346127013.